The following is an entry in ClinVar:

NM_001164665.2(KIAA1549):c.1312A>G (p.Met438Val)

Gene: KIAA1549 (KIAA1549; minus strand). Cytogenetic location: 7q34.
Variant type: single nucleotide variant.
Coding change: c.1312A>G on transcript NM_001164665.2 (MANE Select); coding-DNA position 1312, A replaced by G.
Protein change: p.Met438Val; replaces methionine 438 with valine.
Molecular consequence: missense variant.
Genome position (GRCh38, 1-based): chr7:138,918,314, T>C on the plus strand (A>G on the coding strand, the complement: KIAA1549 is on the minus strand). VCF-style: chr7-138918314-T-C. GRCh37 (hg19) VCF-style: chr7-138603060-T-C.
Other names: c.1312A>G, p.Met438Val (NM_020910.3); c.1312A>G (NM_001164665.1); short protein forms M438V.
Identifiers: ClinVar variation 1355695 (VCV001355695.7), dbSNP rs778467957, ClinGen allele CA4506756.

ClinVar aggregate classification (germline): Conflicting classifications of pathogenicity. Review status: criteria provided, conflicting classifications (1 of 4 stars). 3 submissions from 3 submitters: Uncertain significance (2); Likely benign (1). Last evaluated 2024-03-07.

Conditions:
Inborn genetic diseases. Identifiers: MedGen C0950123, MeSH D030342.
Retinal dystrophy. Also called: Inherited retinal dystrophy. Identifiers: Orphanet 71862, MedGen C0854723, MeSH D058499, MONDO:0019118, HP:0000556.

Allele frequency attached by ClinVar (database versions not stated): ExAC 0.00001; gnomAD 0.00001; gnomAD exomes 0.00001; TOPMed 0.00001.

Submissions (3):

Ambry Genetics
Classification: Likely benign for Inborn genetic diseases. Last evaluated: 2024-03-07. Review status: criteria provided, single submitter. Criteria: Ambry Variant Classification Scheme 2023. Collection method: clinical testing. Allele origin: germline.

Dept Of Ophthalmology, Nagoya University
Classification: Uncertain significance for Retinal dystrophy. Last evaluated: 2023-10-01. Review status: criteria provided, single submitter. Criteria: Submitter's publication. Collection method: research. Allele origin: germline. Affected: yes.

Labcorp Genetics (formerly Invitae), Labcorp
Classification: Uncertain significance. Last evaluated: 2021-08-27. Review status: criteria provided, single submitter. Criteria: Invitae Variant Classification Sherloc (09022015). Collection method: clinical testing. Allele origin: germline.
Comment: This sequence change replaces methionine with valine at codon 438 of the KIAA1549 protein (p.Met438Val). The methionine residue is weakly conserved and there is a small physicochemical difference between methionine and valine. This variant is present in population databases (rs778467957, ExAC 0.01%). This variant has not been reported in the literature in individuals affected with KIAA1549-related conditions. Algorithms developed to predict the effect of missense changes on protein structure and function output the following: SIFT: "Tolerated"; PolyPhen-2: "Benign"; Align-GVGD: "Class C0". The valine amino acid residue is found in multiple mammalian species, which suggests that this missense change does not adversely affect protein function. In summary, the available evidence is currently insufficient to determine the role of this variant in disease. Therefore, it has been classified as a Variant of Uncertain Significance.